The following is an entry in ClinVar:

ClinVar aggregate classification (germline): Uncertain significance (1 of 4 stars; one submission).

Allele frequency attached by ClinVar (database versions not stated): ExAC 0.00001; gnomAD exomes 0.00001.

Submission:

Labcorp Genetics (formerly Invitae), Labcorp
Classification: Uncertain significance. Last evaluated: 2020-11-14. Review status: criteria provided, single submitter. Criteria: Invitae Variant Classification Sherloc (09022015). Collection method: clinical testing. Allele origin: germline.
Comment: This sequence change replaces histidine with tyrosine at codon 1020 of the LCT protein (p.His1020Tyr). The histidine residue is highly conserved and there is a moderate physicochemical difference between histidine and tyrosine. This variant is present in population databases (rs760918248, ExAC 0.001%). This variant has not been reported in the literature in individuals with LCT-related conditions. Algorithms developed to predict the effect of missense changes on protein structure and function are either unavailable or do not agree on the potential impact of this missense change (SIFT: "Not Available"; PolyPhen-2: "Possibly Damaging"; Align-GVGD: "Not Available"). In summary, the available evidence is currently insufficient to determine the role of this variant in disease. Therefore, it has been classified as a Variant of Uncertain Significance.

NM_002299.4(LCT):c.3058C>T (p.His1020Tyr)

Gene: LCT (lactase; minus strand). Cytogenetic location: 2q21.3.
Variant type: single nucleotide variant.
Coding change: c.3058C>T on transcript NM_002299.4 (MANE Select); coding-DNA position 3058, C replaced by T.
Protein change: p.His1020Tyr; replaces histidine 1020 with tyrosine.
Molecular consequence: missense variant.
Genome position (GRCh38, 1-based): chr2:135,809,289, G>A on the plus strand (C>T on the coding strand, the complement: LCT is on the minus strand). VCF-style: chr2-135809289-G-A. GRCh37 (hg19) VCF-style: chr2-136566859-G-A.
Other names: short protein forms H1020Y.
Identifiers: ClinVar variation 1353991 (VCV001353991.6), dbSNP rs760918248, ClinGen allele CA1888120.